The following is an entry in ClinVar:

ClinVar aggregate classification (germline): Uncertain significance (1 of 4 stars; one submission).

Conditions:
Developmental delay, impaired speech, and behavioral abnormalities. Identifiers: MedGen C5561957, MONDO:0859178, OMIM 619475.

Submission:

Neuberg Centre For Genomic Medicine, NCGM
Classification: Uncertain significance for Developmental delay, impaired speech, and behavioral abnormalities. Last evaluated: 2023-05-20. Review status: criteria provided, single submitter. Criteria: ACMG Guidelines, 2015. Collection method: clinical testing. Allele origin: germline. Inheritance: Autosomal dominant inheritance. Affected: yes.
Comment: The observed splice region / intron variant c.5203-4_5203-3del in SPTBN1 gene has not been reported previously as a pathogenic variant nor as a benign variant, to our knowledge. The c.5203-4_5203-3del variant is absent in gnomAD Exomes. The variant is predicted to be Benign by SpliceAI Prediction. For these reasons, this variant has been classified as Uncertain Significance.

NM_003128.3(SPTBN1):c.5203-4_5203-3del

Gene: SPTBN1 (spectrin beta, non-erythrocytic 1; plus strand). Cytogenetic location: 2p16.2.
Variant type: Deletion.
Coding change: c.5203-4_5203-3del on transcript NM_003128.3 (MANE Select); 4 bases into the intron before coding-DNA position 5203 through 3 bases into the intron before coding-DNA position 5203, 2 bases deleted (TC; older notation c.5203-4_5203-3delTC).
Molecular consequence: intron variant.
Genome position (GRCh38, 1-based): chr2:54,649,611-54,649,612, TC deleted. VCF-style (leftmost placement, unchanged base first): chr2-54649610-TTC-T. GRCh37 (hg19) VCF-style: chr2-54876747-TTC-T.
Other names: c.5164-4_5164-3del (NM_178313.3).
Identifiers: ClinVar variation 3362372 (VCV003362372.3).